The following is an entry in ClinVar:

ClinVar aggregate classification (germline): Uncertain significance. Review status: criteria provided, multiple submitters, no conflicts (2 of 4 stars). 2 submissions from 2 submitters: Uncertain significance (2). Last evaluated 2023-09-22.

Conditions:
Inborn genetic diseases. Identifiers: MedGen C0950123, MeSH D030342.

Allele frequency attached by ClinVar (database versions not stated): TOPMed below 0.00001; gnomAD exomes 0.00001.
gnomAD v4.1: 7 of 1,614,012 alleles (0.00043%); highest among the groups gnomAD compares: Non-Finnish European, 0.00051%; no homozygotes.

Submissions (2):

Ambry Genetics
Classification: Uncertain significance for Inborn genetic diseases. Last evaluated: 2023-09-22. Review status: criteria provided, single submitter. Criteria: Ambry Variant Classification Scheme 2023. Collection method: clinical testing. Allele origin: germline.

Labcorp Genetics (formerly Invitae), Labcorp
Classification: Uncertain significance. Last evaluated: 2023-08-29. Review status: criteria provided, single submitter. Criteria: Invitae Variant Classification Sherloc (09022015). Collection method: clinical testing. Allele origin: germline.
Comment: This sequence change replaces arginine, which is basic and polar, with cysteine, which is neutral and slightly polar, at codon 544 of the LBR protein (p.Arg544Cys). This variant is not present in population databases (gnomAD no frequency). This variant has not been reported in the literature in individuals affected with LBR-related conditions. Advanced modeling of protein sequence and biophysical properties (such as structural, functional, and spatial information, amino acid conservation, physicochemical variation, residue mobility, and thermodynamic stability) performed at Invitae indicates that this missense variant is expected to disrupt LBR protein function. In summary, the available evidence is currently insufficient to determine the role of this variant in disease. Therefore, it has been classified as a Variant of Uncertain Significance.

NM_002296.4(LBR):c.1630C>T (p.Arg544Cys)

Gene: LBR (lamin B receptor; minus strand). Cytogenetic location: 1q42.12.
Variant type: single nucleotide variant.
Coding change: c.1630C>T on transcript NM_002296.4 (MANE Select); coding-DNA position 1630, C replaced by T.
Protein change: p.Arg544Cys; replaces arginine 544 with cysteine.
Molecular consequence: missense variant.
Genome position (GRCh38, 1-based): chr1:225,404,461, G>A on the plus strand (C>T on the coding strand, the complement: LBR is on the minus strand). VCF-style: chr1-225404461-G-A. GRCh37 (hg19) VCF-style: chr1-225592163-G-A.
Other names: c.1630C>T (NM_002296.3); c.1630C>T, p.Arg544Cys (NM_194442.3); short protein forms R544C.
Identifiers: ClinVar variation 2955186 (VCV002955186.4), dbSNP rs2096087302, ClinGen allele CA344992899.
Genomic context (GRCh38, chr1:225,404,461, plus strand): 5'-TACCACATGGGAGGGACCACGCCAAGGCCATGATGAGATCACCCAAGTAATTGGGGTGGC[G>A]AACAAAGCCCCACCATCCAGAAACTAGAAGATTTTTTCCCGTTGAAGTATGAATGGTTTT-3'
Protein context (NP_002287.2, residues 534-554): LLVSGWWGFV[Arg544Cys]HPNYLGDLIM